The following is an entry in ClinVar:

ClinVar aggregate classification (germline): Likely benign. Review status: criteria provided, multiple submitters, no conflicts (2 of 4 stars). 3 submissions from 3 submitters: Likely benign (3). Last evaluated 2026-04-06.

Conditions:
INVS-related disorder. Also called: INVS-related condition.
Nephronophthisis. Also called: Juvenile Nephronophthisis. Identifiers: Orphanet 655, MedGen C0687120, MONDO:0019005, HP:0000090.

gnomAD v4.1: 11 of 1,613,966 alleles (0.00068%); highest among the groups gnomAD compares: Admixed American, 0.0017%; no homozygotes.

Submissions (3):

PreventionGenetics, part of Exact Sciences
Classification: Likely benign for INVS-related condition. Last evaluated: 2026-04-06. Review status: criteria provided, single submitter. Criteria: ACMG Guidelines, 2015. Collection method: clinical testing. Allele origin: germline.
Comment: This variant is classified as likely benign based on ACMG/AMP sequence variant interpretation guidelines (Richards et al. 2015 PMID: 25741868, with internal and published modifications).

Labcorp Genetics (formerly Invitae), Labcorp
Classification: Likely benign for Nephronophthisis. Last evaluated: 2024-01-24. Review status: criteria provided, single submitter. Criteria: Invitae Variant Classification Sherloc (09022015). Collection method: clinical testing. Allele origin: germline.

Blueprint Genetics
Classification: Likely benign. Last evaluated: 2023-10-09. Review status: criteria provided, single submitter. Criteria: ACMG Guidelines, 2015. Collection method: clinical testing. Allele origin: germline.

NM_014425.5(INVS):c.2652C>G (p.Leu884=)

Gene: INVS (inversin; plus strand). Cytogenetic location: 9q31.1.
Variant type: single nucleotide variant.
Coding change: c.2652C>G on transcript NM_014425.5 (MANE Select); coding-DNA position 2652, C replaced by G.
Protein change: p.Leu884=; no amino-acid change (leucine 884 retained).
Molecular consequence: synonymous variant. On other transcripts: non-coding transcript variant (1).
Genome position (GRCh38, 1-based): chr9:100,292,909, C>G. VCF-style: chr9-100292909-C-G. GRCh37 (hg19) VCF-style: chr9-103055191-C-G.
Other names: c.2364C>G, p.Leu788= (NM_001318381.2); c.1674C>G, p.Leu558= (NM_001318382.2); c.2652C>G (NM_014425.4).
Identifiers: ClinVar variation 2960019 (VCV002960019.5), dbSNP rs115556532, ClinGen allele CA5158667.